The following is an entry in ClinVar:

ClinVar aggregate classification (germline): Uncertain significance (1 of 4 stars; one submission).

Conditions:
Pitt-Hopkins-like syndrome 2 (PTHSL2). Identifiers: Orphanet 221150, Orphanet 600663, MedGen C3280479, MONDO:0013690, OMIM 614325.

gnomAD v4.1: 2 of 1,613,956 alleles (0.00012%); highest among the groups gnomAD compares: Non-Finnish European, 0.00017%; no homozygotes.

Submission:

Labcorp Genetics (formerly Invitae), Labcorp
Classification: Uncertain significance for Pitt-Hopkins-like syndrome 2. Last evaluated: 2018-07-15. Review status: criteria provided, single submitter. Criteria: Invitae Variant Classification Sherloc (09022015). Collection method: clinical testing. Allele origin: germline.
Comment: In summary, the available evidence is currently insufficient to determine the role of this variant in disease. Therefore, it has been classified as a Variant of Uncertain Significance. Algorithms developed to predict the effect of missense changes on protein structure and function are either unavailable or do not agree on the potential impact of this missense change (SIFT: "Deleterious"; PolyPhen-2: "Benign"; Align-GVGD: "Class C0"). This variant has not been reported in the literature in individuals with NRXN1-related disease. This variant is not present in population databases (ExAC no frequency). This sequence change replaces lysine with asparagine at codon 571 of the NRXN1 protein (p.Lys571Asn). The lysine residue is highly conserved and there is a moderate physicochemical difference between lysine and asparagine.

NM_001330078.2(NRXN1):c.1593G>C (p.Lys531Asn)

Gene: NRXN1 (neurexin 1; minus strand). Cytogenetic location: 2p16.3.
Variant type: single nucleotide variant.
Coding change: c.1593G>C on transcript NM_001330078.2 (MANE Select); coding-DNA position 1593, G replaced by C.
Protein change: p.Lys531Asn; replaces lysine 531 with asparagine.
Molecular consequence: missense variant.
Genome position (GRCh38, 1-based): chr2:50,552,753, C>G on the plus strand (G>C on the coding strand, the complement: NRXN1 is on the minus strand). VCF-style: chr2-50552753-C-G. GRCh37 (hg19) VCF-style: chr2-50779891-C-G.
Other names: c.1713G>C, p.Lys571Asn (NM_001135659.3); c.1569G>C, p.Lys523Asn (NM_001330077.2, NM_001330082.2, NM_001330095.2); c.1554G>C, p.Lys518Asn (NM_001330083.2, NM_001330084.2); c.1593G>C, p.Lys531Asn (NM_001330085.2, NM_001330086.2, NM_004801.6); c.1509G>C, p.Lys503Asn (NM_001330087.2, NM_001330096.2); c.1539G>C, p.Lys513Asn (NM_001330088.2); c.1590G>C, p.Lys530Asn (NM_001330093.2); c.1581G>C, p.Lys527Asn (NM_001330094.2); short protein forms K518N, K503N, K530N, K571N, K523N, K513N, K527N, K531N.
Identifiers: ClinVar variation 657166 (VCV000657166.8), dbSNP rs1573517782, ClinGen allele CA346773355.
Genomic context (GRCh38, chr2:50,552,753, plus strand): 5'-GTAGAGGTGGCCATCTAGCATCTCAATAGCAAAGAAGTCCACCTTTATCATCTGTGGGTG[C>G]TTGGCATCTTTCTGATGTCTTGGCTTGCCATGGCTAAATAAGATGAGGCCATTTGGCTCT-3'
Protein context (NP_001317007.1, residues 521-541): HGKPRHQKDA[Lys531Asn]HPQMIKVDFF